The following is an entry in ClinVar:

ClinVar aggregate classification (germline): Pathogenic (1 of 4 stars; one submission).

Conditions:
Congenital myasthenic syndrome 8. Also called: MYASTHENIC SYNDROME, CONGENITAL, DUE TO AGRIN DEFICIENCY; Myasthenic syndrome, congenital, 8, with pre- and postsynaptic defects. Identifiers: Orphanet 590, MedGen C3808739, MONDO:0014052, OMIM 615120.

Submission:

Labcorp Genetics (formerly Invitae), Labcorp
Classification: Pathogenic for Congenital myasthenic syndrome 8. Last evaluated: 2022-08-21. Review status: criteria provided, single submitter. Criteria: Invitae Variant Classification Sherloc (09022015). Collection method: clinical testing. Allele origin: germline.
Comment: This sequence change creates a premature translational stop signal (p.Asp882Alafs*66) in the AGRN gene. It is expected to result in an absent or disrupted protein product. Loss-of-function variants in AGRN are known to be pathogenic (PMID: 24951643). For these reasons, this variant has been classified as Pathogenic. This variant has not been reported in the literature in individuals affected with AGRN-related conditions. This variant is not present in population databases (gnomAD no frequency).

Literature cited by the submitters: PubMed 24951643.

NM_198576.4(AGRN):c.2645_2654del (p.Asp882fs)

Gene: AGRN (agrin; plus strand). Cytogenetic location: 1p36.33.
Variant type: Deletion.
Coding change: c.2645_2654del on transcript NM_198576.4 (MANE Select); coding-DNA positions 2645 to 2654, 10 bases deleted (ACGGCCGTGC; older notation c.2645_2654delACGGCCGTGC).
Protein change: p.Asp882fs; shifts the reading frame from aspartic acid 882.
Molecular consequence: frameshift variant.
Genome position (GRCh38, 1-based): chr1:1,045,841-1,045,850, ACGGCCGTGC deleted. VCF-style (leftmost placement, unchanged base first): chr1-1045840-GACGGCCGTGC-G. GRCh37 (hg19) VCF-style: chr1-981220-GACGGCCGTGC-G.
Other names: c.2645_2654del, p.Asp882fs (NM_001305275.2); c.2330_2339del, p.Asp777fs (NM_001364727.2); short protein forms D882fs, D777fs.
Identifiers: ClinVar variation 2025884 (VCV002025884.4), dbSNP rs2522717190, ClinGen allele CA2580061065.
Genomic context (GRCh38, chr1:1,045,840, plus strand): 5'-ATGACGGGGCTGTGCTCGTGTAAGCCCGGGGTGGCTGGACCCAAGTGTGGGCAGTGTCCA[GACGGCCGTGC>G]CCTGGGCCCCGCGGGCTGTGAAGCTGGTGAGTGAGGGCCAGCGCTACCCTGGGGCTTCAT-3'